The following is an entry in ClinVar:

ClinVar aggregate classification (germline): Benign/Likely benign. Review status: criteria provided, multiple submitters, no conflicts (2 of 4 stars). 2 submissions from 2 submitters: Benign (1); Likely benign (1). Last evaluated 2025-04-08.

Conditions:
Oligodontia-cancer predisposition syndrome. Also called: TOOTH AGENESIS-COLORECTAL CANCER SYNDROME. Identifiers: Orphanet 300576, MedGen C1837750, MONDO:0012075, OMIM 608615. Disease mechanism: loss of function.

Submissions (2):

Labcorp Genetics (formerly Invitae), Labcorp
Classification: Likely benign for Oligodontia-cancer predisposition syndrome. Last evaluated: 2025-04-08. Review status: criteria provided, single submitter. Criteria: Invitae Variant Classification Sherloc (09022015). Collection method: clinical testing. Allele origin: germline.

Myriad Genetics, Inc.
Classification: Benign for Oligodontia-cancer predisposition syndrome. Last evaluated: 2024-07-03. Review status: criteria provided, single submitter. Criteria: Myriad Autosomal Dominant, Autosomal Recessive and X-Linked Classification Criteria (2023). Collection method: clinical testing. Allele origin: unknown.
Comment: This variant is considered benign. This variant is a silent/synonymous amino acid change and it is not expected to impact splicing.

NM_004655.4(AXIN2):c.1590G>A (p.Glu530=)

Gene: AXIN2 (axin 2; minus strand). Cytogenetic location: 17q24.1.
Variant type: single nucleotide variant.
Coding change: c.1590G>A on transcript NM_004655.4 (MANE Select); coding-DNA position 1590, G replaced by A.
Protein change: p.Glu530=; no amino-acid change (glutamic acid 530 retained).
Molecular consequence: synonymous variant.
Genome position (GRCh38, 1-based): chr17:65,537,446, C>T on the plus strand (G>A on the coding strand, the complement: AXIN2 is on the minus strand). VCF-style: chr17-65537446-C-T. GRCh37 (hg19) VCF-style: chr17-63533564-C-T.
Other names: c.1590G>A, p.Glu530= (NM_001363813.1).
Identifiers: ClinVar variation 1613389 (VCV001613389.9), dbSNP rs2144458605, ClinGen allele CA501691218.